The following is an entry in ClinVar:

ClinVar aggregate classification (germline): Conflicting classifications of pathogenicity. Review status: criteria provided, conflicting classifications (1 of 4 stars). 22 submissions from 22 submitters: Pathogenic (8); Likely pathogenic (9); Uncertain significance (1). 4 of the submissions do not count toward it. Last evaluated 2026-06-15.

Conditions:
Autosomal dominant Alport syndrome (ATS3A). Also called: Alport syndrome dominant type; Renal failure and sensorineural hearing loss; ALPORT SYNDROME 3A, AUTOSOMAL DOMINANT. Identifiers: Orphanet 63, Orphanet 88918, MedGen C5882663, MONDO:0007086, OMIM 104200.
Hematuria, benign familial, 2 (BFH2). Identifiers: MedGen C5830421, MONDO:0958186, OMIM 620320.
Alport syndrome 3b, autosomal recessive. Identifiers: MedGen C5882699, MONDO:0957811, OMIM 620536.
Hematuria. Identifiers: MedGen C0018965, HP:0000790.
COL4A3-related disorder. Also called: COL4A3-Related Disorders; COL4A3-related condition.
Inborn genetic diseases. Identifiers: MedGen C0950123, MeSH D030342.
Alport syndrome. Also called: Hemorrhagic familial nephritis; Hemorrhagic hereditary nephritis; Congenital hereditary hematuria. Identifiers: Orphanet 63, MedGen C1567741, MONDO:0018965.
Benign familial hematuria. Also called: thin basement membrane disease. Identifiers: MedGen C0241908, MONDO:0957317.

Allele frequency attached by ClinVar (database versions not stated): ExAC 0.00002; gnomAD exomes 0.00002.
gnomAD v4.1: 33 of 1,613,906 alleles (0.002%); highest among the groups gnomAD compares: South Asian, 0.0077%; no homozygotes.

Submissions 1 to 10 of 22:

Genetics Laboratory, Great Ormond Street Hospital NHS Foundation Trust, North Thames Genomic Laboratory Hub
Classification: Likely pathogenic for Haematuria. Last evaluated: 2026-06-15. Review status: criteria provided, single submitter. Criteria: ACGS Best Practice Guidelines for Variant Classification in Rare Disease 2024 v1.2. Collection method: clinical testing. Allele origin: germline. Affected: yes.
Comment: PS4_moderate, PM2_moderate, PP3_supporting, PM1_strong

Centre de Génétique Humaine, Institut de Pathologie Et de Génétique
Classification: Pathogenic for Autosomal dominant Alport syndrome. Last evaluated: 2026-03-20. Review status: criteria provided, single submitter. Criteria: ACMG Guidelines, 2015. Collection method: clinical testing. Allele origin: maternal. Inheritance: Autosomal dominant inheritance. Affected: yes. Observed: 1 variant allele, 1 heterozygote. Segregation with disease observed.
Comment: This missense variant involves a highly conserved glycine located in a ‘Gly-X-Y’ motif in collagenous region, which is characteristic of the pathogenic variants identified in the COL4A3 gene (PM1,PP2). Pathogenic in vitro using split-luciferase bioluminescence assay, PMID: 41908531 (PS3).This variant is rare: allelic frequency of 0.002% in gnomAD v4.1.0 database (PM2); In silico analysis supports that this missense variant has a deleterious effect (PP3). Described in several cases with AD and AR Alport with familial cosegregation (PS4,PP5)

Natera, Inc.
Classification: Pathogenic for Alport syndrome. Last evaluated: 2025-12-02. Review status: criteria provided, single submitter. Criteria: Natera Variant Classification Schema (03/2026). Collection method: clinical testing. Allele origin: germline.
Comment: The c.898G>A variant in COL4A3 is a missense variant predicted to cause substitution of glycine to arginine at amino acid 300. This variant is rare in the general population with a frequency below the threshold expected for the associated phenotype(s). This variant has been observed in one or more individuals affected with the associated recessive disease, as either homozygous or compound heterozygous with a second variant (PMID: 32647767, 28780565, 31328266). This variant has been observed in affected individual(s) with monoallelic occurrence (heterozygous/hemizygous) (PMID: 30586318, 26809805, 40806767, 39810285). This variant has been observed to segregate in affected family members (PMID: 32647767). This variant is located in a functionally critical region of the protein. Computational prediction algorithms indicate this variant is likely to affect gene or protein function. Given the available evidence, this variant is classified as Pathogenic.

Dasa
Classification: Pathogenic. Last evaluated: 2025-11-27. Review status: criteria provided, single submitter. Criteria: DASA Assertion Criteria. Collection method: clinical testing. Allele origin: germline.
Comment: NM_000091.5(COL4A3):c.898G>A (p.Gly300Arg) is a missense variant that results in the substitution of glycine with arginine. The affected residue or protein region has prior evidence supporting clinical relevance. Functional evidence supports a deleterious effect on the gene or gene product (PMID: 25575550; PMID: 26809805; PMID: 30586318; PMID: 31328266). This variant has been recurrently observed in individuals with related phenotype (PMID: 25575550; PMID: 26809805; PMID: 30586318; PMID: 31328266). Multiple computational predictions support a deleterious effect on the gene or gene product. The variant is present at low frequency in population datasets. Based on the available data, this variant is classified as pathogenic.

3billion
Classification: Likely pathogenic for Alport syndrome 3b, autosomal recessive. Last evaluated: 2025-09-24. Review status: criteria provided, single submitter. Criteria: ACMG Guidelines, 2015. Collection method: clinical testing. Allele origin: germline. Affected: yes.
Comment: The variant is observed at an extremely low frequency in the gnomAD v4.1.0 dataset (total allele frequency: 0.002%). Predicted Consequence/Location: Missense variant In silico tool predictions suggest damaging effect of the variant on gene or gene product [REVEL: 1.00 (>=0.6, sensitivity 0.68 and specificity 0.92); 3Cnet: 0.96 (> 0.75, sensitivity 0.96 and precision 0.92)]. The same nucleotide change resulting in the same amino acid change has been previously reported as pathogenic/likely pathogenic with strong evidence (ClinVar ID: VCV000562427 /PMID: 25575550 /3billion dataset). Therefore, this variant is classified as Likely pathogenic according to the recommendation of ACMG/AMP guideline.

Labcorp Genetics (formerly Invitae), Labcorp
Classification: Pathogenic. Last evaluated: 2025-06-08. Review status: criteria provided, single submitter. Criteria: Invitae Variant Classification Sherloc (09022015). Collection method: clinical testing. Allele origin: germline.
Comment: This sequence change replaces glycine, which is neutral and non-polar, with arginine, which is basic and polar, at codon 300 of the COL4A3 protein (p.Gly300Arg). This variant is present in population databases (rs772708743, gnomAD 0.007%). This missense change has been observed in individuals with autosomal dominant Alport syndrome (PMID: 25575550, 26809805; internal data). ClinVar contains an entry for this variant (Variation ID: 562427). Invitae Evidence Modeling of protein sequence and biophysical properties (such as structural, functional, and spatial information, amino acid conservation, physicochemical variation, residue mobility, and thermodynamic stability) indicates that this missense variant is expected to disrupt COL4A3 protein function with a positive predictive value of 80%. Algorithms developed to predict the effect of sequence changes on RNA splicing suggest that this variant may disrupt the consensus splice site. For these reasons, this variant has been classified as Pathogenic.

Institute of Human Genetics, University of Leipzig Medical Center
Classification: Pathogenic for Autosomal dominant Alport syndrome. Last evaluated: 2025-03-04. Review status: criteria provided, single submitter. Criteria: ACMG Guidelines, 2015. Collection method: clinical testing. Allele origin: unknown. Inheritance: Autosomal dominant inheritance. Affected: yes.
Comment: Criteria applied: PM1_STR,PS4,PM2_SUP,PP3

Ambry Genetics
Classification: Likely pathogenic for Inborn genetic diseases. Last evaluated: 2025-02-25. Review status: criteria provided, single submitter. Criteria: Ambry Variant Classification Scheme 2023. Collection method: clinical testing. Allele origin: germline.
Comment: The c.898G>A (p.G300R) alteration is located in exon 16 (coding exon 16) of the COL4A3 gene. This alteration results from a G to A substitution at nucleotide position 898, causing the glycine (G) at amino acid position 300 to be replaced by an arginine (R). Based on data from gnomAD, the A allele has an overall frequency of 0.002% (5/249426) total alleles studied. The highest observed frequency was 0.007% (1/15486) of African alleles. This variant has been identified in the homozygous state in individual(s) who met clinical criteria for COL4A3-related Alport syndrome (Sen, 2017). This amino acid position is highly conserved in available vertebrate species. This alteration is predicted to be deleterious by in silico analysis. Based on the available evidence, this alteration is classified as likely pathogenic.

Fulgent Genetics
Classification: Pathogenic for Autosomal dominant Alport syndrome; Hematuria, benign familial, 2; Alport syndrome 3b, autosomal recessive. Last evaluated: 2024-05-21. Review status: criteria provided, single submitter. Criteria: ACMG Guidelines, 2015. Collection method: clinical testing. Allele origin: germline.

Mayo Clinic Laboratories, Mayo Clinic
Classification: Likely pathogenic. Last evaluated: 2024-01-17. Review status: criteria provided, single submitter. Criteria: ACMG Guidelines, 2015. Collection method: clinical testing. Allele origin: germline.
Comment: PP1, PP3, PM1, PM2, PS4_moderate

NM_000091.5(COL4A3):c.898G>A (p.Gly300Arg)

Genes: COL4A3 (collagen type IV alpha 3 chain; plus strand), MFF-DT (MFF divergent transcript; minus strand). Cytogenetic location: 2q36.3.
Variant type: single nucleotide variant.
Coding change: c.898G>A on transcript NM_000091.5 (MANE Select); coding-DNA position 898, G replaced by A.
Protein change: p.Gly300Arg; replaces glycine 300 with arginine.
Molecular consequence: missense variant.
Genome position (GRCh38, 1-based): chr2:227,256,035, G>A. VCF-style: chr2-227256035-G-A. GRCh37 (hg19) VCF-style: chr2-228120751-G-A.
Other names: p.Gly300Arg; p.(Gly300Arg); short protein forms G300R.
Identifiers: ClinVar variation 562427 (VCV000562427.74), dbSNP rs772708743, ClinGen allele CA2146424.
Genomic context (GRCh38, chr2:227,256,035, plus strand): 5'-AAGTTAGCCATATTTATTACATTTCATGTTTTTGATTTGTTTTTGCTGTAGGGAAAACCC[G>A]GAAAAGATGGTGTTCCTGGCTTCCCTGGAAGTGAGGTATAGAGTTGATTTGGCCTATGGA-3'
Protein context (NP_000082.2, residues 290-310): PGDPGLQGKP[Gly300Arg]KDGVPGFPGS